The following is an entry in ClinVar:

NM_201384.3(PLEC):c.5581G>A (p.Ala1861Thr)

Gene: PLEC (plectin; minus strand). Cytogenetic location: 8q24.3.
Variant type: single nucleotide variant.
Coding change: c.5581G>A on transcript NM_201384.3 (MANE Select); coding-DNA position 5581, G replaced by A.
Protein change: p.Ala1861Thr; replaces alanine 1861 with threonine.
Molecular consequence: missense variant. On other transcripts: intron variant (1).
Genome position (GRCh38, 1-based): chr8:143,924,348, C>T on the plus strand (G>A on the coding strand, the complement: PLEC is on the minus strand). VCF-style: chr8-143924348-C-T. GRCh37 (hg19) VCF-style: chr8-144998516-C-T.
Other names: c.5662G>A, p.Ala1888Thr (NM_000445.5); c.5539G>A, p.Ala1847Thr (NM_201378.4); c.5515G>A, p.Ala1839Thr (NM_201379.3); c.5992G>A, p.Ala1998Thr (NM_201380.4); c.5485G>A, p.Ala1829Thr (NM_201381.3); c.5581G>A, p.Ala1861Thr (NM_201382.4); c.5593G>A, p.Ala1865Thr (NM_201383.3); c.4126-1953G>A (NM_001410941.1); short protein forms A1888T, A1839T, A1861T, A1865T, A1829T, A1847T, A1998T.
Identifiers: ClinVar variation 4782693 (VCV004782693.1).

ClinVar aggregate classification (germline): Uncertain significance (1 of 4 stars; one submission).

Conditions:
Epidermolysis bullosa simplex with nail dystrophy (EBS5D). Identifiers: MedGen C4225309, MONDO:0014661, OMIM 616487.
Epidermolysis bullosa simplex, Ogna type (EBS5A). Also called: Pidermolysis bullosa simplex 5A, Ogna type; EPIDERMOLYSIS BULLOSA SIMPLEX 5A, OGNA TYPE. Identifiers: Orphanet 79401, MedGen C0432317, MONDO:0007555, OMIM 131950.
Epidermolysis bullosa simplex 5B, with muscular dystrophy (EBS5B). Also called: Epidermolysis bullosa simplex with muscular dystrophy; EPIDERMOLYSIS BULLOSA SIMPLEX AND LIMB-GIRDLE MUSCULAR DYSTROPHY. Identifiers: Orphanet 257, MedGen C2931072, MONDO:0009181, OMIM 226670.
Autosomal recessive limb-girdle muscular dystrophy type 2Q (LGMDR17). Also called: MUSCULAR DYSTROPHY, LIMB-GIRDLE, AUTOSOMAL RECESSIVE 17. Identifiers: Orphanet 254361, MedGen C3150989, MONDO:0013390, OMIM 613723.
Epidermolysis bullosa simplex 5C, with pyloric atresia (EBS5C). Also called: PLEC-Related Epidermolysis Bullosa with Pyloric Atresia; Epidermolysis bullosa simplex with pyloric atresia; PLEC1-Related Epidermolysis Bullosa with Pyloric Atresia. Identifiers: Orphanet 158684, MedGen C2677349, MONDO:0012807, OMIM 612138.

gnomAD v4.1: 6 of 1,596,982 alleles (0.00038%); highest among the groups gnomAD compares: East Asian, 0.0022%; no homozygotes.

Submission:

Labcorp Genetics (formerly Invitae), Labcorp
Classification: Uncertain significance for Autosomal recessive limb-girdle muscular dystrophy type 2Q; Epidermolysis bullosa simplex, Ogna type; Epidermolysis bullosa simplex with nail dystrophy; Epidermolysis bullosa simplex 5C, with pyloric atresia; Epidermolysis bullosa simplex 5B, with muscular dystrophy. Last evaluated: 2025-05-30. Review status: criteria provided, single submitter. Criteria: Invitae Variant Classification Sherloc (09022015). Collection method: clinical testing. Allele origin: germline.
Comment: This sequence change replaces alanine, which is neutral and non-polar, with threonine, which is neutral and polar, at codon 1888 of the PLEC protein (p.Ala1888Thr). This variant is not present in population databases (gnomAD no frequency). This variant has not been reported in the literature in individuals affected with PLEC-related conditions. Experimental studies and prediction algorithms are not available or were not evaluated, and the functional significance of this variant is currently unknown. In summary, the available evidence is currently insufficient to determine the role of this variant in disease. Therefore, it has been classified as a Variant of Uncertain Significance.